The following is an entry in ClinVar:

NM_007272.3(CTRC):c.506T>C (p.Ile169Thr)

Gene: CTRC (chymotrypsin C; plus strand). Cytogenetic location: 1p36.21.
Variant type: single nucleotide variant.
Coding change: c.506T>C on transcript NM_007272.3 (MANE Select); coding-DNA position 506, T replaced by C.
Protein change: p.Ile169Thr; replaces isoleucine 169 with threonine.
Molecular consequence: missense variant.
Genome position (GRCh38, 1-based): chr1:15,444,618, T>C. VCF-style: chr1-15444618-T-C. GRCh37 (hg19) VCF-style: chr1-15771113-T-C.
Other names: short protein forms I169T.
Identifiers: ClinVar variation 1745154 (VCV001745154.3), dbSNP rs2526301158, ClinGen allele CA338566937.

ClinVar aggregate classification (germline): Uncertain significance (1 of 4 stars; one submission).

Conditions:
Hereditary pancreatitis (PCTT). Also called: Hereditary chronic pancreatitis; PRSS1-Related Hereditary Pancreatitis. Identifiers: Orphanet 676, MedGen C0238339, MONDO:0008185, OMIM 167800.

Allele frequency attached by ClinVar (database versions not stated): gnomAD exomes 0.00001.

Submission:

Ambry Genetics
Classification: Uncertain significance for Hereditary pancreatitis. Last evaluated: 2025-03-10. Review status: criteria provided, single submitter. Criteria: Ambry Variant Classification Scheme 2023. Collection method: clinical testing. Allele origin: germline.
Comment: The p.I169T variant (also known as c.506T>C), located in coding exon 6 of the CTRC gene, results from a T to C substitution at nucleotide position 506. The isoleucine at codon 169 is replaced by threonine, an amino acid with similar properties. This amino acid position is conserved. In addition, the in silico prediction for this alteration is inconclusive. Since supporting evidence is limited at this time, the clinical significance of this alteration remains unclear.